The following is an entry in ClinVar:

NM_016203.4(PRKAG2):c.1123T>C (p.Tyr375His)

Gene: PRKAG2 (protein kinase AMP-activated non-catalytic subunit gamma 2; minus strand). Cytogenetic location: 7q36.1.
Variant type: single nucleotide variant.
Coding change: c.1123T>C on transcript NM_016203.4 (MANE Select); coding-DNA position 1123, T replaced by C.
Protein change: p.Tyr375His; replaces tyrosine 375 with histidine.
Molecular consequence: missense variant.
Genome position (GRCh38, 1-based): chr7:151,568,826, A>G on the plus strand (T>C on the coding strand, the complement: PRKAG2 is on the minus strand). VCF-style: chr7-151568826-A-G. GRCh37 (hg19) VCF-style: chr7-151265912-A-G.
Other names: c.991T>C, p.Tyr331His (NM_001040633.2, NM_001407024.1); c.748T>C, p.Tyr250His (NM_001304527.2, NM_001407029.1); c.400T>C, p.Tyr134His (NM_001304531.2, NM_024429.2, NM_001407034.1 and 1 more transcripts); c.751T>C, p.Tyr251His (NM_001363698.2, NM_001407028.1); c.1123T>C, p.Tyr375His (NM_001407021.1); c.1120T>C, p.Tyr374His (NM_001407022.1, NM_001407023.1); c.988T>C, p.Tyr330His (NM_001407026.1, NM_001407027.1); c.460T>C, p.Tyr154His (NM_001407037.1); and 6 more; short protein forms Y154H, Y250H, Y251H, Y331H, Y279H, Y374H, Y150H, Y133H.
Identifiers: ClinVar variation 5027280 (VCV005027280.1).

ClinVar aggregate classification (germline): Uncertain significance (1 of 4 stars; one submission).

Conditions:
Cardiovascular phenotype. Identifiers: MedGen CN230736.

Submission:

Ambry Genetics
Classification: Uncertain significance for Cardiovascular phenotype. Last evaluated: 2026-08-08. Review status: criteria provided, single submitter. Criteria: Ambry Variant Classification Scheme 2023. Collection method: clinical testing. Allele origin: germline.
Comment: The p.Y375H variant (also known as c.1123T>C), located in coding exon 11 of the PRKAG2 gene, results from a T to C substitution at nucleotide position 1123. The tyrosine at codon 375 is replaced by histidine, an amino acid with similar properties. This amino acid position is conserved. In addition, the in silico prediction for this alteration is inconclusive. Based on the available evidence, the clinical significance of this variant remains unclear.